The following is an entry in ClinVar:

ClinVar aggregate classification (germline): Uncertain significance (1 of 4 stars; one submission).

Allele frequency attached by ClinVar (database versions not stated): gnomAD exomes below 0.00001; TOPMed below 0.00001.
gnomAD v4.1: 5 of 1,614,140 alleles (0.00031%); highest among the groups gnomAD compares: East Asian, 0.0045%; no homozygotes.

Submission:

GeneDx
Classification: Uncertain significance. Last evaluated: 2019-10-09. Review status: criteria provided, single submitter. Criteria: GeneDx Variant Classification Process June 2021. Collection method: clinical testing. Allele origin: germline. Affected: yes.
Comment: Not observed in large population cohorts (Lek et al., 2016); In silico analysis, which includes protein predictors and evolutionary conservation, supports that this variant does not alter protein structure/function; Has not been previously published as pathogenic or benign to our knowledge

NM_001122659.3(EDNRB):c.454G>A (p.Val152Ile)

Gene: EDNRB (endothelin receptor type B; minus strand). Cytogenetic location: 13q22.3.
Variant type: single nucleotide variant.
Coding change: c.454G>A on transcript NM_001122659.3 (MANE Select); coding-DNA position 454, G replaced by A.
Protein change: p.Val152Ile; replaces valine 152 with isoleucine.
Molecular consequence: missense variant.
Genome position (GRCh38, 1-based): chr13:77,918,120, C>T on the plus strand (G>A on the coding strand, the complement: EDNRB is on the minus strand). VCF-style: chr13-77918120-C-T. GRCh37 (hg19) VCF-style: chr13-78492255-C-T.
Other names: c.454G>A, p.Val152Ile (NM_000115.5, NM_003991.4); c.724G>A, p.Val242Ile (NM_001201397.2); short protein forms V152I, V242I.
Identifiers: ClinVar variation 1309185 (VCV001309185.2), dbSNP rs1879902138, ClinGen allele CA388452304.
Genomic context (GRCh38, chr13:77,918,120, plus strand): 5'-GCCCACCATGATTTCAGCAGGCGCCCTTTACCTTGTAGACATTGATAGGGATGTCAATGA[C>T]GATGTGCAGCAGGTCTCCCAGAGCCAAGCTGGCGATCAAGATATTGGGACCGTTTCGCAT-3'
Protein context (NP_001116131.1, residues 142-162): SLALGDLLHI[Val152Ile]IDIPINVYKL